The following is an entry in ClinVar:

ClinVar aggregate classification (germline): Conflicting classifications of pathogenicity. Review status: criteria provided, conflicting classifications (1 of 4 stars). 3 submissions from 3 submitters: Uncertain significance (2); Likely benign (1). Last evaluated 2024-12-03.

Conditions:
Hereditary nonpolyposis colorectal neoplasms. Identifiers: MedGen C0009405, MeSH D003123.
Hereditary cancer-predisposing syndrome. Also called: Hereditary neoplastic syndrome; Neoplastic Syndromes, Hereditary; Hereditary Cancer Syndrome; Tumor predisposition. Identifiers: Orphanet 140162, MedGen C0027672, MeSH D009386, MONDO:0015356.

Submissions (3):

Labcorp Genetics (formerly Invitae), Labcorp
Classification: Uncertain significance for Hereditary nonpolyposis colorectal neoplasms. Last evaluated: 2024-12-03. Review status: criteria provided, single submitter. Criteria: Invitae Variant Classification Sherloc (09022015). Collection method: clinical testing. Allele origin: germline.
Comment: This sequence change replaces asparagine, which is neutral and polar, with aspartic acid, which is acidic and polar, at codon 596 of the PMS2 protein (p.Asn596Asp). This variant is not present in population databases (gnomAD no frequency). This variant has not been reported in the literature in individuals affected with PMS2-related conditions. ClinVar contains an entry for this variant (Variation ID: 658625). Invitae Evidence Modeling incorporating data from in vitro experimental studies (internal data) indicates that this missense variant is not expected to disrupt PMS2 function with a negative predictive value of 95%. In summary, the available evidence is currently insufficient to determine the role of this variant in disease. Therefore, it has been classified as a Variant of Uncertain Significance.

Ambry Genetics
Classification: Likely benign for Hereditary cancer-predisposing syndrome. Last evaluated: 2023-11-15. Review status: criteria provided, single submitter. Criteria: Ambry Variant Classification Scheme 2023. Collection method: clinical testing. Allele origin: germline.

GeneDx
Classification: Uncertain significance. Last evaluated: 2022-04-01. Review status: criteria provided, single submitter. Criteria: GeneDx Variant Classification Process June 2021. Collection method: clinical testing. Allele origin: germline. Affected: yes.
Comment: Not observed at significant frequency in large population cohorts (gnomAD); In silico analysis supports that this missense variant does not alter protein structure/function; Has not been previously published as pathogenic or benign to our knowledge

NM_000535.7(PMS2):c.1786A>G (p.Asn596Asp)

Gene: PMS2 (PMS1 homolog 2, mismatch repair system component; minus strand). Cytogenetic location: 7p22.1.
Variant type: single nucleotide variant.
Coding change: c.1786A>G on transcript NM_000535.7 (MANE Select); coding-DNA position 1786, A replaced by G.
Protein change: p.Asn596Asp; replaces asparagine 596 with aspartic acid.
Molecular consequence: missense variant. On other transcripts: non-coding transcript variant (1).
Genome position (GRCh38, 1-based): chr7:5,986,979, T>C on the plus strand (A>G on the coding strand, the complement: PMS2 is on the minus strand). VCF-style: chr7-5986979-T-C. GRCh37 (hg19) VCF-style: chr7-6026610-T-C.
Other names: c.1381A>G, p.Asn461Asp (NM_001322003.2, NM_001322004.2, NM_001322005.2 and 1 more transcripts); c.1630A>G, p.Asn544Asp (NM_001322006.2); c.1468A>G, p.Asn490Asp (NM_001322007.2, NM_001322008.2); c.1225A>G, p.Asn409Asp (NM_001322010.2); c.853A>G, p.Asn285Asp (NM_001322011.2, NM_001322012.2); c.1213A>G, p.Asn405Asp (NM_001322013.2); c.1786A>G, p.Asn596Asp (NM_001322014.2); c.1477A>G, p.Asn493Asp (NM_001322015.2); short protein forms N405D, N409D, N490D, N493D, N596D, N285D, N461D, N544D.
Identifiers: ClinVar variation 658625 (VCV000658625.12), dbSNP rs1583315513, ClinGen allele CA366739863.